The following is an entry in ClinVar:

ClinVar aggregate classification (germline): Uncertain significance (1 of 4 stars; one submission).

Conditions:
Neurofibromatosis, type 1 (NF1). Also called: Peripheral type neurofibromatosis; Neurofibromatosis, type I; VON RECKLINGHAUSEN DISEASE; NEUROFIBROMATOSIS, TYPE I, SOMATIC. Identifiers: Orphanet 636, MedGen C0027831, MONDO:0018975, OMIM 162200. Disease mechanism: loss of function.

Submission:

Labcorp Genetics (formerly Invitae), Labcorp
Classification: Uncertain significance for Neurofibromatosis, type 1. Last evaluated: 2023-09-10. Review status: criteria provided, single submitter. Criteria: Invitae Variant Classification Sherloc (09022015). Collection method: clinical testing. Allele origin: germline.
Comment: In summary, the available evidence is currently insufficient to determine the role of this variant in disease. Therefore, it has been classified as a Variant of Uncertain Significance. Advanced modeling of protein sequence and biophysical properties (such as structural, functional, and spatial information, amino acid conservation, physicochemical variation, residue mobility, and thermodynamic stability) performed at Invitae indicates that this missense variant is expected to disrupt NF1 protein function. ClinVar contains an entry for this variant (Variation ID: 1026095). This variant has not been reported in the literature in individuals affected with NF1-related conditions. This variant is not present in population databases (gnomAD no frequency). This sequence change replaces phenylalanine, which is neutral and non-polar, with cysteine, which is neutral and slightly polar, at codon 17 of the NF1 protein (p.Phe17Cys).

NM_001042492.3(NF1):c.50T>G (p.Phe17Cys)

Genes: MIR4733HG (MIR4733 host gene; minus strand), NF1 (neurofibromin 1; plus strand), LOC111811965 (NF1 (neurofibromin 1) promoter region; plus strand). Cytogenetic location: 17q11.2.
Variant type: single nucleotide variant.
Coding change: c.50T>G on transcript NM_001042492.3 (MANE Select); coding-DNA position 50, T replaced by G.
Protein change: p.Phe17Cys; replaces phenylalanine 17 with cysteine.
Molecular consequence: missense variant. On other transcripts: non-coding transcript variant (1).
Genome position (GRCh38, 1-based): chr17:31,095,359, T>G. VCF-style: chr17-31095359-T-G. GRCh37 (hg19) VCF-style: chr17-29422377-T-G.
Other names: c.50T>G, p.Phe17Cys (NM_000267.4, NM_001128147.3); short protein forms F17C.
Identifiers: ClinVar variation 1026095 (VCV001026095.5), dbSNP rs1911557433, ClinGen allele CA398979388.